The following is an entry in ClinVar:

NM_144997.7(FLCN):c.1513G>A (p.Val505Ile)

Gene: FLCN (folliculin; minus strand). Cytogenetic location: 17p11.2.
Variant type: single nucleotide variant.
Coding change: c.1513G>A on transcript NM_144997.7 (MANE Select); coding-DNA position 1513, G replaced by A.
Protein change: p.Val505Ile; replaces valine 505 with isoleucine.
Molecular consequence: missense variant.
Genome position (GRCh38, 1-based): chr17:17,215,010, C>T on the plus strand (G>A on the coding strand, the complement: FLCN is on the minus strand). VCF-style: chr17-17215010-C-T. GRCh37 (hg19) VCF-style: chr17-17118324-C-T.
Other names: c.1513G>A (LRG_325t1); c.1567G>A, p.Val523Ile (NM_001353229.2); c.1513G>A, p.Val505Ile (NM_001353230.2, NM_001353231.2); short protein forms V505I, V523I.
Identifiers: ClinVar variation 409376 (VCV000409376.25), dbSNP rs376715412, ClinGen allele CA8415952.

ClinVar aggregate classification (germline): Conflicting classifications of pathogenicity. Review status: criteria provided, conflicting classifications (1 of 4 stars). 6 submissions from 6 submitters: Uncertain significance (4); Benign (1); Likely benign (1). Last evaluated 2025-12-08.

Conditions:
Birt-Hogg-Dube syndrome 1 (BHD1). Also called: FIBROFOLLICULOMAS WITH TRICHODISCOMAS AND ACROCHORDONS. Identifiers: Orphanet 122, MedGen CN375946, MONDO:0800445, OMIM 135150.
FLCN-related disorder. Also called: FLCN-related condition.
Hereditary cancer-predisposing syndrome. Also called: Neoplastic Syndromes, Hereditary; Tumor predisposition; Hereditary Cancer Syndrome; Hereditary neoplastic syndrome. Identifiers: Orphanet 140162, MedGen C0027672, MeSH D009386, MONDO:0015356.
Birt-Hogg-Dube syndrome. Also called: Birt Hogg Dubé syndrome. Identifiers: Orphanet 122, MedGen C0346010, MONDO:0800444.

Allele frequency attached by ClinVar (database versions not stated): gnomAD exomes 0.00002 and 0.00003; gnomAD 0.00003 and 0.00004; TOPMed 0.00003; ExAC 0.00004; ESP Exome Variant Server 0.00008.
gnomAD v4.1: 29 of 1,614,060 alleles (0.0018%); highest among the groups gnomAD compares: South Asian, 0.0088%; no homozygotes.

Submissions (6):

Labcorp Genetics (formerly Invitae), Labcorp
Classification: Uncertain significance for Birt-Hogg-Dube syndrome. Last evaluated: 2025-12-08. Review status: criteria provided, single submitter. Criteria: Invitae Variant Classification Sherloc (09022015). Collection method: clinical testing. Allele origin: germline.
Comment: This sequence change replaces valine, which is neutral and non-polar, with isoleucine, which is neutral and non-polar, at codon 505 of the FLCN protein (p.Val505Ile). This variant is present in population databases (rs376715412, gnomAD 0.01%). This variant has not been reported in the literature in individuals affected with FLCN-related conditions. ClinVar contains an entry for this variant (Variation ID: 409376). Invitae Evidence Modeling of protein sequence and biophysical properties (such as structural, functional, and spatial information, amino acid conservation, physicochemical variation, residue mobility, and thermodynamic stability) indicates that this missense variant is not expected to disrupt FLCN protein function with a negative predictive value of 80%. In summary, the available evidence is currently insufficient to determine the role of this variant in disease. Therefore, it has been classified as a Variant of Uncertain Significance.

PreventionGenetics, part of Exact Sciences
Classification: Uncertain significance for FLCN-related condition. Last evaluated: 2025-06-27. Review status: criteria provided, single submitter. Criteria: ACMG Guidelines, 2015. Collection method: clinical testing. Allele origin: germline.
Comment: The FLCN c.1513G>A variant is predicted to result in the amino acid substitution p.Val505Ile. To our knowledge, this variant has not been reported in the literature. This variant is reported in 0.013% of alleles in individuals of South Asian descent in gnomAD and has conflicting interpretations of pathogenicity in ClinVar ranging from uncertain to benign. At this time, the clinical significance of this variant is uncertain due to the absence of conclusive functional and genetic evidence.

Center for Genomic Medicine, Rigshospitalet, Copenhagen University Hospital
Classification: Uncertain significance. Last evaluated: 2025-03-04. Review status: criteria provided, single submitter. Criteria: ACMG Guidelines, 2015. Collection method: clinical testing. Allele origin: germline.

Myriad Genetics, Inc.
Classification: Likely benign for Birt-Hogg-Dube syndrome 1. Last evaluated: 2024-08-09. Review status: criteria provided, single submitter. Criteria: Myriad Autosomal Dominant, Autosomal Recessive and X-Linked Classification Criteria (2023). Collection method: clinical testing. Allele origin: unknown.
Comment: This variant is considered likely benign. This variant has been observed at a population frequency that is significantly greater than expected given the associated disease prevalence and penetrance.

GeneDx
Classification: Uncertain significance. Last evaluated: 2023-10-26. Review status: criteria provided, single submitter. Criteria: GeneDx Variant Classification Process June 2021. Collection method: clinical testing. Allele origin: germline. Affected: yes.
Comment: In silico analysis supports that this missense variant does not alter protein structure/function; Has not been previously published as pathogenic or benign to our knowledge

Ambry Genetics
Classification: Benign for Hereditary cancer-predisposing syndrome. Last evaluated: 2023-03-17. Review status: criteria provided, single submitter. Criteria: Ambry Variant Classification Scheme 2023. Collection method: clinical testing. Allele origin: germline.